The following is an entry in ClinVar:

NM_001040108.2(MLH3):c.3799G>C (p.Val1267Leu)

Gene: MLH3 (mutL homolog 3; minus strand). Cytogenetic location: 14q24.3.
Variant type: single nucleotide variant.
Coding change: c.3799G>C on transcript NM_001040108.2 (MANE Select); coding-DNA position 3799, G replaced by C.
Protein change: p.Val1267Leu; replaces valine 1267 with leucine.
Molecular consequence: missense variant.
Genome position (GRCh38, 1-based): chr14:75,032,096, C>G on the plus strand (G>C on the coding strand, the complement: MLH3 is on the minus strand). VCF-style: chr14-75032096-C-G. GRCh37 (hg19) VCF-style: chr14-75498799-C-G.
Other names: c.3727G>C, p.Val1243Leu (NM_014381.3); short protein forms V1243L, V1267L.
Identifiers: ClinVar variation 4055460 (VCV004055460.1).

ClinVar aggregate classification (germline): Uncertain significance (1 of 4 stars; one submission).

gnomAD v4.1: 1 of 1,612,616 alleles (0.000062%); highest among the groups gnomAD compares: Non-Finnish European, 0.000085%; no homozygotes.

Submission:

Ambry Genetics
Classification: Uncertain significance. Last evaluated: 2025-03-24. Review status: criteria provided, single submitter. Criteria: Ambry Variant Classification Scheme 2023. Collection method: clinical testing. Allele origin: germline.
Comment: The p.V1267L variant (also known as c.3799G>C), located in coding exon 7 of the MLH3 gene, results from a G to C substitution at nucleotide position 3799. The valine at codon 1267 is replaced by leucine, an amino acid with highly similar properties. This amino acid position is conserved. In addition, the in silico prediction for this alteration is inconclusive. Based on the available evidence, the clinical significance of this variant remains unclear.